The following is an entry in ClinVar:

NM_001813.3(CENPE):c.2551T>G (p.Ser851Ala)

Gene: CENPE (centromere protein E; minus strand). Cytogenetic location: 4q24.
Variant type: single nucleotide variant.
Coding change: c.2551T>G on transcript NM_001813.3 (MANE Select); coding-DNA position 2551, T replaced by G.
Protein change: p.Ser851Ala; replaces serine 851 with alanine.
Molecular consequence: missense variant.
Genome position (GRCh38, 1-based): chr4:103,159,060, A>C on the plus strand (T>G on the coding strand, the complement: CENPE is on the minus strand). VCF-style: chr4-103159060-A-C. GRCh37 (hg19) VCF-style: chr4-104080217-A-C.
Other names: c.2476T>G, p.Ser826Ala (NM_001286734.2); short protein forms S826A, S851A.
Identifiers: ClinVar variation 776007 (VCV000776007.10), dbSNP rs75568479, ClinGen allele CA3030266.

ClinVar aggregate classification (germline): Benign. Review status: criteria provided, multiple submitters, no conflicts (2 of 4 stars). 4 submissions from 4 submitters: Benign (4). Last evaluated 2025-02-10.

Conditions:
CENPE-related disorder. Also called: CENPE-related condition.

Allele frequency attached by ClinVar (database versions not stated): gnomAD exomes 0.00181 and 0.00461; ExAC 0.00475; 1000 Genomes Project 0.01058; gnomAD 0.01095 and 0.01187; 1000 Genomes Project 30x 0.01140; TOPMed 0.01264; ESP Exome Variant Server 0.01346.
gnomAD v4.1: 4,332 of 1,551,262 alleles (0.28%); highest among the groups gnomAD compares: African/African-American, 3.5%; 47 homozygotes.

Submissions (4):

PreventionGenetics, part of Exact Sciences
Classification: Benign for CENPE-related condition. Last evaluated: 2025-02-10. Review status: criteria provided, single submitter. Criteria: ACMG Guidelines, 2015. Collection method: clinical testing. Allele origin: germline.
Comment: This variant is classified as benign based on ACMG/AMP sequence variant interpretation guidelines (Richards et al. 2015 PMID: 25741868, with internal and published modifications).

GeneDx
Classification: Benign. Last evaluated: 2021-08-27. Review status: criteria provided, single submitter. Criteria: GeneDx Variant Classification Process June 2021. Collection method: clinical testing. Allele origin: germline. Affected: yes.

Labcorp Genetics (formerly Invitae), Labcorp
Classification: Benign. Last evaluated: 2019-12-31. Review status: criteria provided, single submitter. Criteria: Invitae Variant Classification Sherloc (09022015). Collection method: clinical testing. Allele origin: germline.

Breakthrough Genomics
Classification: Benign. Review status: criteria provided, single submitter. Criteria: ACMG Guidelines, 2015. Collection method: not provided. Allele origin: germline. Inheritance: Autosomal recessive inheritance. Affected: yes.